The following is an entry in ClinVar:

NM_015466.4(PTPN23):c.64T>C (p.Phe22Leu)

Genes: PTPN23 (protein tyrosine phosphatase non-receptor type 23; plus strand), PTPN23-DT (PTPN23 divergent transcript; minus strand). Cytogenetic location: 3p21.31.
Variant type: single nucleotide variant.
Coding change: c.64T>C on transcript NM_015466.4 (MANE Select); coding-DNA position 64, T replaced by C.
Protein change: p.Phe22Leu; replaces phenylalanine 22 with leucine.
Molecular consequence: missense variant. On other transcripts: 5 prime UTR variant (1).
Genome position (GRCh38, 1-based): chr3:47,381,160, T>C. VCF-style: chr3-47381160-T-C. GRCh37 (hg19) VCF-style: chr3-47422650-T-C.
Other names: c.-187T>C (NM_001304482.2); short protein forms F22L.
Identifiers: ClinVar variation 1480542 (VCV001480542.6), dbSNP rs1252860634, ClinGen allele CA352532649.

ClinVar aggregate classification (germline): Uncertain significance (1 of 4 stars; one submission).

Submission:

Labcorp Genetics (formerly Invitae), Labcorp
Classification: Uncertain significance. Last evaluated: 2022-06-13. Review status: criteria provided, single submitter. Criteria: Invitae Variant Classification Sherloc (09022015). Collection method: clinical testing. Allele origin: germline.
Comment: In summary, the available evidence is currently insufficient to determine the role of this variant in disease. Therefore, it has been classified as a Variant of Uncertain Significance. Algorithms developed to predict the effect of missense changes on protein structure and function are either unavailable or do not agree on the potential impact of this missense change (SIFT: "Tolerated"; PolyPhen-2: "Not Available"; Align-GVGD: "Class C0"). This variant has not been reported in the literature in individuals affected with PTPN23-related conditions. This variant is not present in population databases (gnomAD no frequency). This sequence change replaces phenylalanine, which is neutral and non-polar, with leucine, which is neutral and non-polar, at codon 22 of the PTPN23 protein (p.Phe22Leu).